The following is an entry in ClinVar:

NM_000642.3(AGL):c.2806C>T (p.Leu936Phe)

Gene: AGL (amylo-alpha-1,6-glucosidase and 4-alpha-glucanotransferase; plus strand). Cytogenetic location: 1p21.2.
Variant type: single nucleotide variant.
Coding change: c.2806C>T on transcript NM_000642.3 (MANE Select); coding-DNA position 2806, C replaced by T.
Protein change: p.Leu936Phe; replaces leucine 936 with phenylalanine.
Molecular consequence: missense variant.
Genome position (GRCh38, 1-based): chr1:99,888,102, C>T. VCF-style: chr1-99888102-C-T. GRCh37 (hg19) VCF-style: chr1-100353658-C-T.
Other names: c.2806C>T, p.Leu936Phe (NM_000028.3, NM_000643.3, NM_000644.3 and 2 more transcripts); c.2758C>T, p.Leu920Phe (NM_000646.3); c.2605C>T, p.Leu869Phe (NM_001425327.1); c.2602C>T, p.Leu868Phe (NM_001425328.1); c.2467C>T, p.Leu823Phe (NM_001425329.1); c.2428C>T, p.Leu810Phe (NM_001425332.1); short protein forms L936F, L920F, L810F, L823F, L868F, L869F.
Identifiers: ClinVar variation 1376819 (VCV001376819.3), dbSNP rs1652591450, ClinGen allele CA341323306.

ClinVar aggregate classification (germline): Uncertain significance (1 of 4 stars; one submission).

Conditions:
Glycogen storage disease type III (GSD3). Also called: Cori disease; FORBES DISEASE. Identifiers: Orphanet 366, MedGen C0017922, MONDO:0009291, OMIM 232400.

Submission:

Labcorp Genetics (formerly Invitae), Labcorp
Classification: Uncertain significance for Glycogen storage disease type III. Last evaluated: 2021-08-22. Review status: criteria provided, single submitter. Criteria: Invitae Variant Classification Sherloc (09022015). Collection method: clinical testing. Allele origin: germline.
Comment: This sequence change replaces leucine with phenylalanine at codon 936 of the AGL protein (p.Leu936Phe). The leucine residue is highly conserved and there is a small physicochemical difference between leucine and phenylalanine. This variant is not present in population databases (ExAC no frequency). This variant has not been reported in the literature in individuals affected with AGL-related conditions. Algorithms developed to predict the effect of missense changes on protein structure and function are either unavailable or do not agree on the potential impact of this missense change (SIFT: "Deleterious"; PolyPhen-2: "Possibly Damaging"; Align-GVGD: "Class C0"). In summary, the available evidence is currently insufficient to determine the role of this variant in disease. Therefore, it has been classified as a Variant of Uncertain Significance.